The following is an entry in ClinVar:

ClinVar aggregate classification (germline): Conflicting classifications of pathogenicity. Review status: criteria provided, conflicting classifications (1 of 4 stars). 2 submissions from 2 submitters: Uncertain significance (1); Likely benign (1). Last evaluated 2025-10-11.

Conditions:
C1S-related disorder. Also called: C1S-related condition.

gnomAD v4.1: 47 of 1,605,862 alleles (0.0029%); highest among the groups gnomAD compares: East Asian, 0.096%; no homozygotes.

Submissions (2):

Labcorp Genetics (formerly Invitae), Labcorp
Classification: Uncertain significance. Last evaluated: 2025-10-11. Review status: criteria provided, single submitter. Criteria: Invitae Variant Classification Sherloc (09022015). Collection method: clinical testing. Allele origin: germline.
Comment: This sequence change falls in intron 11 of the C1S gene. It does not directly change the encoded amino acid sequence of the C1S protein. It affects a nucleotide within the consensus splice site. This variant is present in population databases (no rsID available, gnomAD 0.006%). This variant has not been reported in the literature in individuals affected with C1S-related conditions. ClinVar contains an entry for this variant (Variation ID: 3713995). Variants that disrupt the consensus splice site are a relatively common cause of aberrant splicing (PMID: 17576681, 9536098). Algorithms developed to predict the effect of sequence changes on RNA splicing suggest that this variant is not likely to affect RNA splicing. In summary, the available evidence is currently insufficient to determine the role of this variant in disease. Therefore, it has been classified as a Variant of Uncertain Significance.

PreventionGenetics, part of Exact Sciences
Classification: Likely benign for C1S-related condition. Last evaluated: 2025-05-21. Review status: criteria provided, single submitter. Criteria: ACMG Guidelines, 2015. Collection method: clinical testing. Allele origin: germline.
Comment: This variant is classified as likely benign based on ACMG/AMP sequence variant interpretation guidelines (Richards et al. 2015 PMID: 25741868, with internal and published modifications).

Literature cited by the submitters: PubMed 17576681 (cited by Labcorp Genetics (formerly Invitae), Labcorp); PubMed 9536098 (cited by Labcorp Genetics (formerly Invitae), Labcorp).

NM_001734.5(C1S):c.1270+6G>A

Gene: C1S (complement C1s; plus strand). Cytogenetic location: 12p13.31.
Variant type: single nucleotide variant.
Coding change: c.1270+6G>A on transcript NM_001734.5 (MANE Select); 6 bases into the intron after coding-DNA position 1270, G replaced by A.
Molecular consequence: intron variant.
Genome position (GRCh38, 1-based): chr12:7,068,536, G>A. VCF-style: chr12-7068536-G-A. GRCh37 (hg19) VCF-style: chr12-7175840-G-A.
Other names: c.1270+6G>A (NM_201442.4, NM_201442.3); c.769+6G>A (NM_001346850.2).
Identifiers: ClinVar variation 3713995 (VCV003713995.3).
Genomic context (GRCh38, chr12:7,068,536, plus strand): 5'-AACGGGAGCTGGGTGAATGAGGTGCTGGGCCCGGAGCTGCCGAAATGTGTTCCAGGTAAG[G>A]AGGGCTGAGGCTTGGGGAGAGATGATAGCCATGGGTGACTGGGAGTCACCTTCTGAAAGC-3'